The following is an entry in ClinVar:

NM_053025.4(MYLK):c.3027G>A (p.Glu1009=)

Gene: MYLK (myosin light chain kinase; minus strand). Cytogenetic location: 3q21.1.
Variant type: single nucleotide variant.
Coding change: c.3027G>A on transcript NM_053025.4 (MANE Select); coding-DNA position 3027, G replaced by A.
Protein change: p.Glu1009=; no amino-acid change (glutamic acid 1009 retained).
Molecular consequence: synonymous variant.
Genome position (GRCh38, 1-based): chr3:123,700,441, C>T on the plus strand (G>A on the coding strand, the complement: MYLK is on the minus strand). VCF-style: chr3-123700441-C-T. GRCh37 (hg19) VCF-style: chr3-123419288-C-T.
Other names: p.Glu1009=; c.2499G>A, p.Glu833= (NM_001321309.2); c.2820G>A, p.Glu940= (NM_053026.4, NM_053028.4); c.3027G>A, p.Glu1009= (NM_053027.4).
Identifiers: ClinVar variation 194902 (VCV000194902.43), dbSNP rs12172926, ClinGen allele CA024831.
Genomic context (GRCh38, chr3:123,700,441, plus strand): 5'-GGCGTTGCCCACGGGTTTCAAGGGCCCTGAAGGCTGTGCATTGCTCAGGGGCTTGGAACT[C>T]TCCACTGCCTTGGCATTCAGGGTCTCGGCACTGCTGCTGCCATTCTCTGCTGGTAATTTC-3'
Protein context (NP_444253.3, residues 999-1019): SAETLNAKAV[Glu1009=]SSKPLSNAQP

ClinVar aggregate classification (germline): Benign/Likely benign. Review status: criteria provided, multiple submitters, no conflicts (2 of 4 stars). 14 submissions from 14 submitters: Benign (11); Likely benign (1). 2 of the submissions do not count toward it. Last evaluated 2026-02-04.

Conditions:
Familial thoracic aortic aneurysm and aortic dissection (TAAD). Also called: Thoracic aortic aneurysms and dissections. Identifiers: Orphanet 91387, MedGen C4707243, MONDO:0019625.
Aortic aneurysm, familial thoracic 7 (AAT7). Also called: AORTIC DISSECTION, FAMILIAL, WITH OR WITHOUT AORTIC ANEURYSM. Identifiers: MedGen C3151077, MONDO:0013418, OMIM 613780.

Allele frequency attached by ClinVar (database versions not stated): gnomAD exomes 0.03538 and 0.07268; ESP Exome Variant Server 0.03652; gnomAD 0.04612 and 0.05448; TOPMed 0.05759; ExAC 0.07484; 1000 Genomes Project 30x 0.16115; 1000 Genomes Project 0.16913.
gnomAD v4.1: 61,221 of 1,609,724 alleles (3.8%); highest among the groups gnomAD compares: East Asian, 45%; 6,757 homozygotes.

Submissions (14):

Labcorp Genetics (formerly Invitae), Labcorp
Classification: Benign for Aortic aneurysm, familial thoracic 7. Last evaluated: 2026-02-04. Review status: criteria provided, single submitter. Criteria: Invitae Variant Classification Sherloc (09022015). Collection method: clinical testing. Allele origin: germline.

ARUP Laboratories, Molecular Genetics and Genomics, ARUP Laboratories
Classification: Benign. Last evaluated: 2025-07-15. Review status: criteria provided, single submitter. Criteria: ARUP Molecular Germline Variant Investigation Process 2024. Collection method: clinical testing. Allele origin: germline.

Blueprint Genetics
Classification: Likely benign. Last evaluated: 2024-11-26. Review status: criteria provided, single submitter. Criteria: ACMG Guidelines, 2015. Collection method: clinical testing. Allele origin: germline.

Women's Health and Genetics/Laboratory Corporation of America, LabCorp
Classification: Benign. Last evaluated: 2019-10-04. Review status: criteria provided, single submitter. Criteria: LabCorp Variant Classification Summary - May 2015. Collection method: clinical testing. Allele origin: germline.

Illumina Laboratory Services, Illumina
Classification: Benign for Aortic aneurysm, familial thoracic 7. Last evaluated: 2018-01-12. Review status: criteria provided, single submitter. Criteria: ICSL Variant Classification Criteria 13 December 2019. Collection method: clinical testing. Allele origin: germline.
Comment: This variant was observed in the ICSL laboratory as part of a predisposition screen in an ostensibly healthy population. It had not been previously curated by ICSL or reported in the Human Gene Mutation Database (HGMD: prior to June 1st, 2018), and was therefore a candidate for classification through an automated scoring system. Utilizing variant allele frequency, disease prevalence and penetrance estimates, and inheritance mode, an automated score was calculated to assess if this variant is too frequent to cause the disease. Based on the score and internal cut-off values, a variant classified as benign is not then subjected to further curation. The score for this variant resulted in a classification of benign for this disease.

GeneDx
Classification: Benign. Last evaluated: 2016-09-30. Review status: criteria provided, single submitter. Criteria: GeneDx Variant Classification (06012015). Collection method: clinical testing. Allele origin: germline. Affected: yes.
Comment: This variant is considered likely benign or benign based on one or more of the following criteria: it is a conservative change, it occurs at a poorly conserved position in the protein, it is predicted to be benign by multiple in silico algorithms, and/or has population frequency not consistent with disease.

Laboratory for Molecular Medicine, Mass General Brigham Personalized Medicine
Classification: Benign. Last evaluated: 2015-06-04. Review status: criteria provided, single submitter. Criteria: LMM Criteria. Collection method: clinical testing. Allele origin: germline. Observed: 8 variant alleles.
Comment: p.Glu1009Glu in exon 18 of MYLK: This variant is not expected to have clinical s ignificance because it does not alter an amino acid residue and has been identif ied in 51% (4359/8640) of East Asian chromosomes by the Exome Aggregation Conso rtium (ExAC; dbSNP rs12172926).

Ambry Genetics
Classification: Benign for Familial thoracic aortic aneurysm and aortic dissection. Last evaluated: 2015-02-19. Review status: criteria provided, single submitter. Criteria: Ambry Variant Classification Scheme 2023. Collection method: clinical testing. Allele origin: germline.

Eurofins Ntd Llc (ga)
Classification: Benign. Last evaluated: 2015-01-20. Review status: criteria provided, single submitter. Criteria: EGL Classification Definitions 2015. Collection method: clinical testing. Allele origin: germline. Observed: 2 variant alleles, 2 heterozygotes.

Mayo Clinic Laboratories, Mayo Clinic
Classification: Benign. Last evaluated: 2014-04-17. Review status: criteria provided, single submitter. Criteria: ACMG Guidelines, 2015. Collection method: clinical testing. Allele origin: germline. Observed: 78 variant alleles.

Breakthrough Genomics
Classification: Benign. Review status: criteria provided, single submitter. Criteria: ACMG Guidelines, 2015. Collection method: not provided. Allele origin: germline. Inheritance: Autosomal recessive inheritance. Affected: yes.

PreventionGenetics, part of Exact Sciences
Classification: Benign. Review status: criteria provided, single submitter. Criteria: ACMG Guidelines, 2015. Collection method: clinical testing. Allele origin: germline.

Clinical Genetics DNA and cytogenetics Diagnostics Lab, Erasmus MC, Erasmus Medical Center
Classification: Benign. Review status: no assertion criteria provided. Collection method: clinical testing. Allele origin: germline. Affected: yes. Study: VKGL Data-share Consensus. Not counted in ClinVar's aggregate classification.

Genome Diagnostics Laboratory, Amsterdam University Medical Center
Classification: Benign. Review status: no assertion criteria provided. Collection method: clinical testing. Allele origin: germline. Affected: yes. Study: VKGL Data-share Consensus. Not counted in ClinVar's aggregate classification.